The following is an entry in ClinVar:

NC_000021.8:g.(?_46923905)_(46957873_?)dup

Genes: COL18A1 (collagen type XVIII alpha 1 chain; plus strand), SLC19A1 (solute carrier family 19 member 1; minus strand). Cytogenetic location: 21q22.3.
Variant type: Duplication.
Identifiers: ClinVar variation 2427191 (VCV002427191.5).

ClinVar aggregate classification (germline): Uncertain significance (1 of 4 stars; one submission).

Submission:

Labcorp Genetics (formerly Invitae), Labcorp
Classification: Uncertain significance. Last evaluated: 2022-09-01. Review status: criteria provided, single submitter. Criteria: Invitae Variant Classification Sherloc (09022015). Collection method: clinical testing. Allele origin: germline.
Comment: In summary, the available evidence is currently insufficient to determine the role of this variant in disease. Therefore, it has been classified as a Variant of Uncertain Significance. This variant has not been reported in the literature in individuals affected with COL18A1-related conditions. This variant results in a copy number gain of the genomic region encompassing exon(s) 33-42 of the COL18A1 gene. This region includes the termination codon of the gene. This copy number gain extends beyond the assayed region for this gene and therefore may encompass additional genes. As the precise location of this event is unknown, it may be in tandem or it may be located elsewhere in the genome.